The following is an entry in ClinVar:

ClinVar aggregate classification (germline): Uncertain significance. Review status: criteria provided, multiple submitters, no conflicts (2 of 4 stars). 2 submissions from 2 submitters: Uncertain significance (2). Last evaluated 2026-08-08.

Conditions:
Dilated cardiomyopathy 1DD (CMD1DD). Identifiers: Orphanet 154, MedGen C2750995, MONDO:0013168, OMIM 613172.
Cardiovascular phenotype. Identifiers: MedGen CN230736.

Allele frequency attached by ClinVar (database versions not stated): gnomAD exomes below 0.00001.
gnomAD v4.1: 1 of 1,503,818 alleles (0.000066%); highest among the groups gnomAD compares: Non-Finnish European, 0.00009%; no homozygotes.

Submissions (2):

Ambry Genetics
Classification: Uncertain significance for Cardiovascular phenotype. Last evaluated: 2026-08-08. Review status: criteria provided, single submitter. Criteria: Ambry Variant Classification Scheme 2023. Collection method: clinical testing. Allele origin: germline.
Comment: The p.T509S variant (also known as c.1526C>G), located in coding exon 5 of the RBM20 gene, results from a C to G substitution at nucleotide position 1526. The threonine at codon 509 is replaced by serine, an amino acid with similar properties. This amino acid position is conserved. In addition, this alteration is predicted to be tolerated by in silico analysis. Based on the available evidence, the clinical significance of this variant remains unclear.

Labcorp Genetics (formerly Invitae), Labcorp
Classification: Uncertain significance for Dilated cardiomyopathy 1DD. Last evaluated: 2023-04-27. Review status: criteria provided, single submitter. Criteria: Invitae Variant Classification Sherloc (09022015). Collection method: clinical testing. Allele origin: germline.
Comment: In summary, the available evidence is currently insufficient to determine the role of this variant in disease. Therefore, it has been classified as a Variant of Uncertain Significance. Algorithms developed to predict the effect of missense changes on protein structure and function output the following: SIFT: "Not Available"; PolyPhen-2: "Benign"; Align-GVGD: "Not Available". The serine amino acid residue is found in multiple mammalian species, which suggests that this missense change does not adversely affect protein function. ClinVar contains an entry for this variant (Variation ID: 1978966). This variant has not been reported in the literature in individuals affected with RBM20-related conditions. This variant is not present in population databases (gnomAD no frequency). This sequence change replaces threonine, which is neutral and polar, with serine, which is neutral and polar, at codon 509 of the RBM20 protein (p.Thr509Ser).

NM_001134363.3(RBM20):c.1526C>G (p.Thr509Ser)

Gene: RBM20 (RNA binding motif protein 20; plus strand). Cytogenetic location: 10q25.2.
Variant type: single nucleotide variant.
Coding change: c.1526C>G on transcript NM_001134363.3 (MANE Select); coding-DNA position 1526, C replaced by G.
Protein change: p.Thr509Ser; replaces threonine 509 with serine.
Molecular consequence: missense variant.
Genome position (GRCh38, 1-based): chr10:110,784,888, C>G. VCF-style: chr10-110784888-C-G. GRCh37 (hg19) VCF-style: chr10-112544646-C-G.
Other names: short protein forms T509S.
Identifiers: ClinVar variation 1978966 (VCV001978966.5), dbSNP rs2493422923, ClinGen allele CA378388561.